The following is an entry in ClinVar:

NM_206926.2(SELENON):c.305C>G (p.Ser102Ter)

Gene: SELENON (selenoprotein N; plus strand). Cytogenetic location: 1p36.11.
Variant type: single nucleotide variant.
Coding change: c.305C>G on transcript NM_206926.2 (MANE Select); coding-DNA position 305, C replaced by G.
Protein change: p.Ser102Ter; replaces serine 102 with a stop codon.
Molecular consequence: nonsense.
Genome position (GRCh38, 1-based): chr1:25,805,145, C>G. VCF-style: chr1-25805145-C-G. GRCh37 (hg19) VCF-style: chr1-26131636-C-G.
Other names: c.407C>G, p.Ser136Ter (NM_020451.3); short protein forms S102*, S136*.
Identifiers: ClinVar variation 4772467 (VCV004772467.1).

ClinVar aggregate classification (germline): Pathogenic (1 of 4 stars; one submission).

Conditions:
Eichsfeld type congenital muscular dystrophy (CMYO3). Also called: MYOPATHY, SEPN1-RELATED; Rigid spine muscular dystrophy 1; SELENON-related myopathy; Congenital myopathy 3 with rigid spine. Identifiers: MedGen C0410180, MONDO:0100100, OMIM 602771.

Submission:

Labcorp Genetics (formerly Invitae), Labcorp
Classification: Pathogenic for Eichsfeld type congenital muscular dystrophy. Last evaluated: 2025-04-27. Review status: criteria provided, single submitter. Criteria: Invitae Variant Classification Sherloc (09022015). Collection method: clinical testing. Allele origin: germline.
Comment: This sequence change creates a premature translational stop signal (p.Ser136*) in the SELENON gene. It is expected to result in an absent or disrupted protein product. Loss-of-function variants in SELENON are known to be pathogenic (PMID: 21131290, 21670436). This variant is not present in population databases (gnomAD no frequency). This variant has not been reported in the literature in individuals affected with SELENON-related conditions. For these reasons, this variant has been classified as Pathogenic.

Literature cited by the submitters: PubMed 21131290; PubMed 21670436.